The following is an entry in ClinVar:

NM_001330288.2(SMARCC2):c.2701G>T (p.Ala901Ser)

Gene: SMARCC2 (SWI/SNF related BAF chromatin remodeling complex subunit C2; minus strand). Cytogenetic location: 12q13.2.
Variant type: single nucleotide variant.
Coding change: c.2701G>T on transcript NM_001330288.2 (MANE Select); coding-DNA position 2701, G replaced by T.
Protein change: p.Ala901Ser; replaces alanine 901 with serine.
Molecular consequence: missense variant.
Genome position (GRCh38, 1-based): chr12:56,169,543, C>A on the plus strand (G>T on the coding strand, the complement: SMARCC2 is on the minus strand). VCF-style: chr12-56169543-C-A. GRCh37 (hg19) VCF-style: chr12-56563327-C-A.
Other names: c.2701G>T, p.Ala901Ser (NM_001130420.3, NM_139067.4); c.2608G>T, p.Ala870Ser (NM_003075.5); short protein forms A870S, A901S.
Identifiers: ClinVar variation 4686769 (VCV004686769.1).
Genomic context (GRCh38, chr12:56,169,543, plus strand): 5'-AGAAGTGGACATTTTCTTCCCTGAGGTCTTCAAGGTCTGGCCTCACCTTAGCTTTCACTG[C>A]GGCGGCGGCCAGGGCGGCGGCAGCAGCGGTGGAGAGGTTGCCCTCGCCAATGTCCCGCTC-3'
Protein context (NP_001317217.1, residues 891-911): TAAAAALAAA[Ala901Ser]VKAKHLAAVE

ClinVar aggregate classification (germline): Uncertain significance (1 of 4 stars; one submission).

Submission:

GeneDx
Classification: Uncertain significance. Last evaluated: 2025-07-24. Review status: criteria provided, single submitter. Criteria: GeneDx Variant Classification Process June 2021. Collection method: clinical testing. Allele origin: germline. Affected: yes.
Comment: Not observed at significant frequency in large population cohorts (gnomAD); In silico analysis supports that this missense variant has a deleterious effect on protein structure/function; Has not been previously published as pathogenic or benign to our knowledge